The following is an entry in ClinVar:

ClinVar aggregate classification (germline): Uncertain significance (1 of 4 stars; one submission).

gnomAD v4.1: 5 of 1,614,136 alleles (0.00031%); highest among the groups gnomAD compares: Non-Finnish European, 0.00042%; no homozygotes.

Submission:

Labcorp Genetics (formerly Invitae), Labcorp
Classification: Uncertain significance. Last evaluated: 2024-07-10. Review status: criteria provided, single submitter. Criteria: Invitae Variant Classification Sherloc (09022015). Collection method: clinical testing. Allele origin: germline.
Comment: This sequence change replaces glycine, which is neutral and non-polar, with arginine, which is basic and polar, at codon 2940 of the SRCAP protein (p.Gly2940Arg). This variant is not present in population databases (gnomAD no frequency). This variant has not been reported in the literature in individuals affected with SRCAP-related conditions. Advanced modeling of protein sequence and biophysical properties (such as structural, functional, and spatial information, amino acid conservation, physicochemical variation, residue mobility, and thermodynamic stability) has been performed at Invitae for this missense variant, however the output from this modeling did not meet the statistical confidence thresholds required to predict the impact of this variant on SRCAP protein function. In summary, the available evidence is currently insufficient to determine the role of this variant in disease. Therefore, it has been classified as a Variant of Uncertain Significance.

NM_006662.3(SRCAP):c.8818G>A (p.Gly2940Arg)

Gene: SRCAP (Snf2 related CREBBP activator protein; plus strand). Cytogenetic location: 16p11.2.
Variant type: single nucleotide variant.
Coding change: c.8818G>A on transcript NM_006662.3 (MANE Select); coding-DNA position 8818, G replaced by A.
Protein change: p.Gly2940Arg; replaces glycine 2940 with arginine.
Molecular consequence: missense variant.
Genome position (GRCh38, 1-based): chr16:30,738,858, G>A. VCF-style: chr16-30738858-G-A. GRCh37 (hg19) VCF-style: chr16-30750179-G-A.
Other names: short protein forms G2940R.
Identifiers: ClinVar variation 3679237 (VCV003679237.2).